The following is an entry in ClinVar:

NM_001032382.2(PQBP1):c.623C>A (p.Ser208Ter)

Gene: PQBP1 (polyglutamine binding protein 1; plus strand). Cytogenetic location: Xp11.23.
Variant type: single nucleotide variant.
Coding change: c.623C>A on transcript NM_001032382.2 (MANE Select); coding-DNA position 623, C replaced by A.
Protein change: p.Ser208Ter; replaces serine 208 with a stop codon.
Molecular consequence: nonsense.
Genome position (GRCh38, 1-based): chrX:48,902,777, C>A. VCF-style: chrX-48902777-C-A. GRCh37 (hg19) VCF-style: chrX-48760054-C-A.
Other names: c.623C>A, p.Ser208Ter (NM_001032381.2, NM_001032383.2, NM_001032384.1 and 1 more transcripts); c.620C>A, p.Ser207Ter (NM_001167989.2); c.599C>A, p.Ser200Ter (NM_001167990.2); c.323C>A, p.Ser108Ter (NM_001167992.1); c.338C>A, p.Ser113Ter (NM_144495.3); short protein forms S208*, S113*, S207*, S108*, S200*.
Identifiers: ClinVar variation 931434 (VCV000931434.3), dbSNP rs2063444025, ClinGen allele CA412891269.
Genomic context (GRCh38, chrX:48,902,777, plus strand): 5'-CTGCCACTTCCACAGCAGTAAGCCGAAAGGATGAAGAGTTAGACCCCATGGACCCTAGCT[C>A]ATACTCAGACGCCCCCCGGTAAGTGACAACCCCTCTTGACTCAGTACGTGGACACCATCC-3'

ClinVar aggregate classification (germline): Likely pathogenic (1 of 4 stars; one submission).

Conditions:
Renpenning syndrome. Also called: Mental retardation, X-linked Renpenning type; X-linked mental retardation with spastic diplegia; X-linked mental retardation syndromic 3; Sutherland-Haan syndrome; MENTAL RETARDATION, X-LINKED 55; MENTAL RETARDATION, X-LINKED, SYNDROMIC 8. Identifiers: Orphanet 3242, MedGen C0796135, MONDO:0010653, OMIM 309500.

Submission:

Centre for Mendelian Genomics, University Medical Centre Ljubljana
Classification: Likely pathogenic for Renpenning syndrome. Last evaluated: 2016-01-01. Review status: criteria provided, single submitter. Criteria: ACMG Guidelines, 2015. Collection method: clinical testing. Allele origin: unknown. Affected: yes.
Comment: This variant was classified as: Likely pathogenic. The following ACMG criteria were applied in classifying this variant: PVS1,PM2.